The following is an entry in ClinVar:

ClinVar aggregate classification (germline): Uncertain significance (1 of 4 stars; one submission).

Submission:

GeneDx
Classification: Uncertain significance. Last evaluated: 2026-01-31. Review status: criteria provided, single submitter. Criteria: GeneDx Variant Classification Process June 2021. Collection method: clinical testing. Allele origin: germline.
Comment: Not observed at significant frequency in large population cohorts (gnomAD); In silico analysis supports that this missense variant has a deleterious effect on protein structure/function; Has not been previously published as pathogenic or benign to our knowledge

NM_197968.4(ZMYM2):c.1474A>G (p.Arg492Gly)

Gene: ZMYM2 (zinc finger MYM-type containing 2; plus strand). Cytogenetic location: 13q12.11.
Variant type: single nucleotide variant.
Coding change: c.1474A>G on transcript NM_197968.4 (MANE Select); coding-DNA position 1474, A replaced by G.
Protein change: p.Arg492Gly; replaces arginine 492 with glycine.
Molecular consequence: missense variant. On other transcripts: non-coding transcript variant (1).
Genome position (GRCh38, 1-based): chr13:20,006,548, A>G. VCF-style: chr13-20006548-A-G. GRCh37 (hg19) VCF-style: chr13-20580688-A-G.
Other names: c.1474A>G, p.Arg492Gly (NM_001190964.4, NM_001190965.4, NM_001353157.2 and 5 more transcripts); c.1279A>G, p.Arg427Gly (NM_001353161.3); c.1213A>G, p.Arg405Gly (NM_001353163.2); short protein forms R405G, R427G, R492G.
Identifiers: ClinVar variation 4891428 (VCV004891428.1).